The following is an entry in ClinVar:

ClinVar aggregate classification (germline): Uncertain significance (1 of 4 stars; one submission).

Submission:

Labcorp Genetics (formerly Invitae), Labcorp
Classification: Uncertain significance. Last evaluated: 2025-11-08. Review status: criteria provided, single submitter. Criteria: Invitae Variant Classification Sherloc (09022015). Collection method: clinical testing. Allele origin: germline.
Comment: This sequence change replaces leucine, which is neutral and non-polar, with proline, which is neutral and non-polar, at codon 1232 of the ABCA4 protein (p.Leu1232Pro). This variant is not present in population databases (gnomAD no frequency). This variant has not been reported in the literature in individuals affected with ABCA4-related conditions. Invitae Evidence Modeling of protein sequence and biophysical properties (such as structural, functional, and spatial information, amino acid conservation, physicochemical variation, residue mobility, and thermodynamic stability) indicates that this missense variant is expected to disrupt ABCA4 protein function with a positive predictive value of 95%. In summary, the available evidence is currently insufficient to determine the role of this variant in disease. Therefore, it has been classified as a Variant of Uncertain Significance.

NM_000350.3(ABCA4):c.3695T>C (p.Leu1232Pro)

Genes: ABCA4 (ATP binding cassette subfamily A member 4; minus strand), LOC126805794 (BRD4-independent group 4 enhancer GRCh37_chr1:94502188-94503387; plus strand). Cytogenetic location: 1p22.1.
Variant type: single nucleotide variant.
Coding change: c.3695T>C on transcript NM_000350.3 (MANE Select); coding-DNA position 3695, T replaced by C.
Protein change: p.Leu1232Pro; replaces leucine 1232 with proline.
Molecular consequence: missense variant.
Genome position (GRCh38, 1-based): chr1:94,037,263, A>G on the plus strand (T>C on the coding strand, the complement: ABCA4 is on the minus strand). VCF-style: chr1-94037263-A-G. GRCh37 (hg19) VCF-style: chr1-94502819-A-G.
Other names: c.3473T>C, p.Leu1158Pro (NM_001425324.1); short protein forms L1158P, L1232P.
Identifiers: ClinVar variation 4745904 (VCV004745904.1).